The following is an entry in ClinVar:

NM_001042492.3(NF1):c.855del (p.Asp287fs)

Gene: NF1 (neurofibromin 1; plus strand). Cytogenetic location: 17q11.2.
Variant type: Deletion.
Coding change: c.855del on transcript NM_001042492.3 (MANE Select); coding-DNA position 855, one base deleted (C; older notation c.855delC).
Protein change: p.Asp287fs; shifts the reading frame from aspartic acid 287.
Molecular consequence: frameshift variant.
Genome position (GRCh38, 1-based): chr17:31,182,632, C deleted; the last of 2 consecutive C bases (chr17:31,182,631-31,182,632); deleting either gives the same sequence. VCF-style (leftmost placement, unchanged base first): chr17-31182630-TC-T. GRCh37 (hg19) VCF-style: chr17-29509648-TC-T.
Other names: c.855delC, p.Asp287Thrfs (NM_000267.4); c.855del, p.Asp287fs (NM_001128147.3); short protein forms D287fs.
Identifiers: ClinVar variation 1458682 (VCV001458682.6), dbSNP rs2143786639, ClinGen allele CA2573153745.
Genomic context (GRCh38, chr17:31,182,630, plus strand): 5'-GCAGTTTGGCCACTACAAATCATTCTCCTTATCTTGTGTCCAGAAATAATCCAGGATATA[TC>T]CAAAGACGTGGTTGATGAAAACAACATGAATAAGGTAAGGAGGGCAAAATTATTTCCATT-3'

ClinVar aggregate classification (germline): Pathogenic (1 of 4 stars; one submission).

Conditions:
Neurofibromatosis, type 1 (NF1). Also called: Neurofibromatosis, type I; VON RECKLINGHAUSEN DISEASE; NEUROFIBROMATOSIS, TYPE I, SOMATIC; Peripheral type neurofibromatosis. Identifiers: Orphanet 636, MedGen C0027831, MONDO:0018975, OMIM 162200. Disease mechanism: loss of function.

Submission:

Labcorp Genetics (formerly Invitae), Labcorp
Classification: Pathogenic for Neurofibromatosis, type 1. Last evaluated: 2025-04-14. Review status: criteria provided, single submitter. Criteria: Invitae Variant Classification Sherloc (09022015). Collection method: clinical testing. Allele origin: germline.
Comment: This sequence change creates a premature translational stop signal (p.Asp287Thrfs*8) in the NF1 gene. It is expected to result in an absent or disrupted protein product. Loss-of-function variants in NF1 are known to be pathogenic (PMID: 10712197, 23913538). This variant is not present in population databases (gnomAD no frequency). This variant has not been reported in the literature in individuals affected with NF1-related conditions. ClinVar contains an entry for this variant (Variation ID: 1458682). For these reasons, this variant has been classified as Pathogenic.

Literature cited by the submitters: PubMed 10712197; PubMed 23913538.